The following is an entry in ClinVar:

ClinVar aggregate classification (germline): Uncertain significance (1 of 4 stars; one submission).

Submission:

GeneDx
Classification: Uncertain significance. Last evaluated: 2024-07-01. Review status: criteria provided, single submitter. Criteria: GeneDx Variant Classification Process June 2021. Collection method: clinical testing. Allele origin: germline. Affected: yes.
Comment: Not observed at significant frequency in large population cohorts (gnomAD); In silico analysis indicates that this missense variant does not alter protein structure/function; Has not been previously published as pathogenic or benign to our knowledge

NM_002693.3(POLG):c.95C>T (p.Ala32Val)

Genes: POLG (DNA polymerase gamma, catalytic subunit; minus strand), POLGARF (POLG alternative reading frame; minus strand). Cytogenetic location: 15q26.1.
Variant type: single nucleotide variant.
Coding change: c.95C>T on transcript NM_002693.3 (MANE Select); coding-DNA position 95, C replaced by T.
Protein change: p.Ala32Val; replaces alanine 32 with valine.
Molecular consequence: missense variant. On other transcripts: synonymous variant (1).
Genome position (GRCh38, 1-based): chr15:89,333,660, G>A on the plus strand (C>T on the coding strand, the complement: POLG is on the minus strand). VCF-style: chr15-89333660-G-A. GRCh37 (hg19) VCF-style: chr15-89876891-G-A.
Other names: c.150C>T, p.Arg50= (NM_001430120.1); c.95C>T, p.Ala32Val (NM_001126131.2); short protein forms A32V.
Identifiers: ClinVar variation 3393573 (VCV003393573.1).
Genomic context (GRCh38, chr15:89,333,660, plus strand): 5'-TGCTGCTGCTGCTGCTGCTGCTGCTGCTGCCGCCGCCGCTGCCCGTCGCTGGGGTCGGAC[G>A]CGGGGACGGAGCTGGAGACCCAGCGCCCCGGAGCTGGAACCGGCCCTGGCCCGACGGTGG-3'
Protein context (NP_002684.1, residues 22-42): PGRWVSSSVP[Ala32Val]SDPSDGQRRR